The following is an entry in ClinVar:

ClinVar aggregate classification (germline): Uncertain significance (1 of 4 stars; one submission).

Conditions:
POLD1-related polyposis and colorectal cancer syndrome (CRCS10). Also called: Colorectal cancer 10; COLORECTAL CANCER, SUSCEPTIBILITY TO, ON CHROMOSOME 19q; Colorectal cancer, susceptibility to, 10. Identifiers: Orphanet 220460, MedGen C2675481, MONDO:0012953, OMIM 612591.

Submission:

Labcorp Genetics (formerly Invitae), Labcorp
Classification: Uncertain significance for POLD1-related polyposis and colorectal cancer syndrome. Last evaluated: 2023-12-07. Review status: criteria provided, single submitter. Criteria: Invitae Variant Classification Sherloc (09022015). Collection method: clinical testing. Allele origin: germline.
Comment: This sequence change falls in intron 13 of the POLD1 gene. It does not directly change the encoded amino acid sequence of the POLD1 protein. It affects a nucleotide within the consensus splice site. This variant is not present in population databases (gnomAD no frequency). This variant has not been reported in the literature in individuals affected with POLD1-related conditions. Variants that disrupt the consensus splice site are a relatively common cause of aberrant splicing (PMID: 17576681, 9536098). Algorithms developed to predict the effect of sequence changes on RNA splicing suggest that this variant is not likely to affect RNA splicing. In summary, the available evidence is currently insufficient to determine the role of this variant in disease. Therefore, it has been classified as a Variant of Uncertain Significance.

Literature cited by the submitters: PubMed 17576681; PubMed 9536098.

NM_002691.4(POLD1):c.1687-7_1687-3del

Gene: POLD1 (DNA polymerase delta 1, catalytic subunit; plus strand). Cytogenetic location: 19q13.33.
Variant type: Microsatellite.
Coding change: c.1687-7_1687-3del on transcript NM_002691.4 (MANE Select); 7 bases into the intron before coding-DNA position 1687 through 3 bases into the intron before coding-DNA position 1687, 5 bases deleted (CTCCC; older notation c.1687-7_1687-3delCTCCC).
Molecular consequence: intron variant.
Genome position (GRCh38, 1-based): chr19:50,407,320-50,407,324, CTCCC deleted; deleting any 5 consecutive bases within chr19:50,407,315-50,407,324 gives the same sequence; the c. name uses the placement nearest the transcript's 3' end. VCF-style (leftmost placement, unchanged base first): chr19-50407314-TCTCCC-T. GRCh37 (hg19) VCF-style: chr19-50910571-TCTCCC-T.
Other names: c.1687-7_1687-3del (NM_001256849.1, NM_001308632.1).
Identifiers: ClinVar variation 1025111 (VCV001025111.6), dbSNP rs2038931997, ClinGen allele CA2340885704.